The following is an entry in ClinVar:

ClinVar aggregate classification (germline): Pathogenic/Likely pathogenic. Review status: criteria provided, multiple submitters, no conflicts (2 of 4 stars). 3 submissions from 3 submitters: Pathogenic (1); Likely pathogenic (1). 1 of the submissions does not count toward it. Last evaluated 2024-10-10.

Conditions:
Kabuki syndrome 1 (KABUK1). Also called: KMT2D-Related Kabuki Syndrome. Identifiers: Orphanet 2322, MedGen CN030661, MONDO:0007843, OMIM 147920.

Submissions (3):

Department of Genetics, Rouen University Hospital, Normandy Center for Genomic and Personalized Medicine
Classification: Pathogenic for Kabuki syndrome 1. Last evaluated: 2024-10-10. Review status: criteria provided, single submitter. Criteria: ACMG Guidelines, 2015. Collection method: clinical testing. Allele origin: de novo. Affected: yes.

GeneDx
Classification: Likely pathogenic. Last evaluated: 2023-06-02. Review status: criteria provided, single submitter. Criteria: GeneDx Variant Classification Process June 2021. Collection method: clinical testing. Allele origin: germline. Affected: yes.
Comment: Reported previously in patients with a clinical diagnosis of Kabuki syndrome; however, no further clinical information was provided (Hannibal et al., 2011; Bogershausen et al., 2016; Van Laarhoven et al., 2015); Nonsense variant predicted to result in protein truncation or nonsense mediated decay in a gene for which loss of function is a known mechanism of disease; Not observed at significant frequency in large population cohorts (gnomAD); This variant is associated with the following publications: (PMID: 25525159, 21671394, 25972376, 27302555)

Shaikh Laboratory, University of Colorado
Classification: Likely pathogenic for Kabuki make-up syndrome. Last evaluated: 2015-02-04. Review status: no assertion criteria provided. Criteria: research. Collection method: research. Allele origin: unknown. Affected: yes. Not counted in ClinVar's aggregate classification.

Literature cited by the submitters: PubMed 25972376 (cited by Shaikh Laboratory, University of Colorado).

NM_003482.4(KMT2D):c.12688C>T (p.Gln4230Ter)

Gene: KMT2D (lysine methyltransferase 2D; minus strand). Cytogenetic location: 12q13.12.
Variant type: single nucleotide variant.
Coding change: c.12688C>T on transcript NM_003482.4 (MANE Select); coding-DNA position 12688, C replaced by T.
Protein change: p.Gln4230Ter; replaces glutamine 4230 with a stop codon.
Molecular consequence: nonsense.
Genome position (GRCh38, 1-based): chr12:49,032,017, G>A on the plus strand (C>T on the coding strand, the complement: KMT2D is on the minus strand). VCF-style: chr12-49032017-G-A. GRCh37 (hg19) VCF-style: chr12-49425800-G-A.
Other names: short protein forms Q4230*.
Identifiers: ClinVar variation 183370 (VCV000183370.3), dbSNP rs793888511, ClinGen allele CA274860.